The following is an entry in ClinVar:

ClinVar aggregate classification (germline): Likely benign. Review status: criteria provided, single submitter (1 of 4 stars). 2 submissions from 2 submitters: Likely benign (1). 1 of the submissions does not count toward it. Last evaluated 2021-04-08.

Conditions:
MAP2K2-related disorder. Also called: MAP2K2-related condition.
Cardiovascular phenotype. Identifiers: MedGen CN230736.

Allele frequency attached by ClinVar (database versions not stated): gnomAD 0.00001; gnomAD exomes 0.00001; TOPMed 0.00001.
gnomAD v4.1: 7 of 1,611,484 alleles (0.00043%); highest among the groups gnomAD compares: Non-Finnish European, 0.00059%; no homozygotes.

Submissions (2):

Ambry Genetics
Classification: Likely benign for Cardiovascular phenotype. Last evaluated: 2021-04-08. Review status: criteria provided, single submitter. Criteria: Ambry Variant Classification Scheme 2023. Collection method: clinical testing. Allele origin: germline.

PreventionGenetics, part of Exact Sciences
Classification: Likely benign for MAP2K2-related condition. Last evaluated: 2020-07-31. Review status: no assertion criteria provided. Collection method: clinical testing. Allele origin: germline. Not counted in ClinVar's aggregate classification.
Comment: This variant is classified as likely benign based on ACMG/AMP sequence variant interpretation guidelines (Richards et al. 2015 PMID: 25741868, with internal and published modifications).

NM_030662.4(MAP2K2):c.741G>A (p.Gln247=)

Gene: MAP2K2 (mitogen-activated protein kinase kinase 2; minus strand). Cytogenetic location: 19p13.3.
Variant type: single nucleotide variant.
Coding change: c.741G>A on transcript NM_030662.4 (MANE Select); coding-DNA position 741, G replaced by A.
Protein change: p.Gln247=; no amino-acid change (glutamine 247 retained).
Molecular consequence: synonymous variant.
Genome position (GRCh38, 1-based): chr19:4,099,379, C>T on the plus strand (G>A on the coding strand, the complement: MAP2K2 is on the minus strand). VCF-style: chr19-4099379-C-T. GRCh37 (hg19) VCF-style: chr19-4099377-C-T.
Identifiers: ClinVar variation 1758835 (VCV001758835.4), dbSNP rs2040968312, ClinGen allele CA504987032.